The following is an entry in ClinVar:

ClinVar aggregate classification (germline): Uncertain significance (1 of 4 stars; one submission).

Conditions:
Ataxia-telangiectasia syndrome (AT). Also called: ATAXIA-TELANGIECTASIA, COMPLEMENTATION GROUP A; ATAXIA-TELANGIECTASIA, FRESNO VARIANT; LOUIS-BAR SYNDROME; Ataxia-telangiectasia; Cerebello-oculocutaneous telangiectasia; Immunodeficiency with ataxia telangiectasia. Identifiers: Orphanet 100, MedGen C0004135, MONDO:0008840, OMIM 208900.

Submission:

Labcorp Genetics (formerly Invitae), Labcorp
Classification: Uncertain significance for Ataxia-telangiectasia syndrome. Last evaluated: 2025-05-05. Review status: criteria provided, single submitter. Criteria: Invitae Variant Classification Sherloc (09022015). Collection method: clinical testing. Allele origin: germline.
Comment: This sequence change replaces leucine, which is neutral and non-polar, with phenylalanine, which is neutral and non-polar, at codon 1206 of the ATM protein (p.Leu1206Phe). This variant is not present in population databases (gnomAD no frequency). This variant has not been reported in the literature in individuals affected with ATM-related conditions. ClinVar contains an entry for this variant (Variation ID: 1473136). Invitae Evidence Modeling of protein sequence and biophysical properties (such as structural, functional, and spatial information, amino acid conservation, physicochemical variation, residue mobility, and thermodynamic stability) indicates that this missense variant is not expected to disrupt ATM protein function with a negative predictive value of 95%. In summary, the available evidence is currently insufficient to determine the role of this variant in disease. Therefore, it has been classified as a Variant of Uncertain Significance.

NM_000051.4(ATM):c.3618A>C (p.Leu1206Phe)

Gene: ATM (ATM serine/threonine kinase; plus strand). Cytogenetic location: 11q22.3.
Variant type: single nucleotide variant.
Coding change: c.3618A>C on transcript NM_000051.4 (MANE Select); coding-DNA position 3618, A replaced by C.
Protein change: p.Leu1206Phe; replaces leucine 1206 with phenylalanine.
Molecular consequence: missense variant.
Genome position (GRCh38, 1-based): chr11:108,282,751, A>C. VCF-style: chr11-108282751-A-C. GRCh37 (hg19) VCF-style: chr11-108153478-A-C.
Other names: c.3618A>C, p.Leu1206Phe (NM_001351834.2); short protein forms L1206F.
Identifiers: ClinVar variation 1473136 (VCV001473136.6), dbSNP rs786201151, ClinGen allele CA382522805.